The following is an entry in ClinVar:

ClinVar aggregate classification (germline): Pathogenic (1 of 4 stars; one submission).

Conditions:
Neuronal ceroid lipofuscinosis 7 (CLN7). Also called: MFSD8-Related Neuronal Ceroid-Lipofuscinosis. Identifiers: Orphanet 168491, Orphanet 228366, MedGen C1838571, MONDO:0012588, OMIM 610951.

Submission:

Labcorp Genetics (formerly Invitae), Labcorp
Classification: Pathogenic for Neuronal ceroid lipofuscinosis 7. Last evaluated: 2024-01-12. Review status: criteria provided, single submitter. Criteria: Invitae Variant Classification Sherloc (09022015). Collection method: clinical testing. Allele origin: germline.
Comment: This sequence change creates a premature translational stop signal (p.Trp97Cysfs*16) in the MFSD8 gene. It is expected to result in an absent or disrupted protein product. Loss-of-function variants in MFSD8 are known to be pathogenic (PMID: 19177532, 25227500, 28586915). This variant is not present in population databases (gnomAD no frequency). This variant has not been reported in the literature in individuals affected with MFSD8-related conditions. Algorithms developed to predict the effect of sequence changes on RNA splicing suggest that this variant may disrupt the consensus splice site. For these reasons, this variant has been classified as Pathogenic.

Literature cited by the submitters: PubMed 19177532; PubMed 25227500; PubMed 28586915.

NM_001371596.2(MFSD8):c.291del (p.Trp97fs)

Gene: MFSD8 (major facilitator superfamily domain containing 8; minus strand). Cytogenetic location: 4q28.2.
Variant type: Deletion.
Coding change: c.291del on transcript NM_001371596.2 (MANE Select); coding-DNA position 291, one base deleted (G; older notation c.291delG).
Protein change: p.Trp97fs; shifts the reading frame from tryptophan 97.
Molecular consequence: frameshift variant.
Genome position (GRCh38, 1-based): chr4:127,943,900, C deleted on the plus strand (G on the coding strand, the reverse complement: MFSD8 is on the minus strand); the first of 2 consecutive C bases (chr4:127,943,900-127,943,901); deleting either gives the same sequence. VCF-style (leftmost placement, unchanged base first): chr4-127943899-AC-A. GRCh37 (hg19) VCF-style: chr4-128865054-AC-A.
Other names: c.291del, p.Trp97fs (NM_001363520.3, NM_001363521.3, NM_001371591.2 and 5 more transcripts); c.156del, p.Trp52fs (NM_001371590.2, NM_001371595.1, NM_001410765.1); short protein forms W52fs, W97fs.
Identifiers: ClinVar variation 2709161 (VCV002709161.3), dbSNP rs2546166888, ClinGen allele CA2697546934.